The following is an entry in ClinVar:

NM_006231.4(POLE):c.5095G>A (p.Ala1699Thr)

Gene: POLE (DNA polymerase epsilon, catalytic subunit; minus strand). Cytogenetic location: 12q24.33.
Variant type: single nucleotide variant.
Coding change: c.5095G>A on transcript NM_006231.4 (MANE Select); coding-DNA position 5095, G replaced by A.
Protein change: p.Ala1699Thr; replaces alanine 1699 with threonine.
Molecular consequence: missense variant.
Genome position (GRCh38, 1-based): chr12:132,642,255, C>T on the plus strand (G>A on the coding strand, the complement: POLE is on the minus strand). VCF-style: chr12-132642255-C-T. GRCh37 (hg19) VCF-style: chr12-133218841-C-T.
Other names: c.5095G>A (NM_006231.2); short protein forms A1699T.
Identifiers: ClinVar variation 569718 (VCV000569718.13), dbSNP rs1256635297, ClinGen allele CA387376944.

ClinVar aggregate classification (germline): Uncertain significance. Review status: criteria provided, multiple submitters, no conflicts (2 of 4 stars). 3 submissions from 3 submitters: Uncertain significance (3). Last evaluated 2025-07-10.

Conditions:
Hereditary cancer-predisposing syndrome. Also called: Hereditary neoplastic syndrome; Tumor predisposition; Neoplastic Syndromes, Hereditary; Hereditary Cancer Syndrome. Identifiers: Orphanet 140162, MedGen C0027672, MeSH D009386, MONDO:0015356.

Allele frequency attached by ClinVar (database versions not stated): gnomAD exomes below 0.00001.
gnomAD v4.1: 1 of 1,611,534 alleles (0.000062%); highest among the groups gnomAD compares: Admixed American, 0.0017%; no homozygotes.

Submissions (3):

Labcorp Genetics (formerly Invitae), Labcorp
Classification: Uncertain significance. Last evaluated: 2025-07-10. Review status: criteria provided, single submitter. Criteria: Invitae Variant Classification Sherloc (09022015). Collection method: clinical testing. Allele origin: germline.
Comment: This sequence change replaces alanine, which is neutral and non-polar, with threonine, which is neutral and polar, at codon 1699 of the POLE protein (p.Ala1699Thr). The frequency data for this variant in the population databases is considered unreliable, as metrics indicate poor data quality at this position in the gnomAD database. This variant has not been reported in the literature in individuals affected with POLE-related conditions. ClinVar contains an entry for this variant (Variation ID: 569718). Invitae Evidence Modeling of protein sequence and biophysical properties (such as structural, functional, and spatial information, amino acid conservation, physicochemical variation, residue mobility, and thermodynamic stability) indicates that this missense variant is not expected to disrupt POLE protein function with a negative predictive value of 80%. In summary, the available evidence is currently insufficient to determine the role of this variant in disease. Therefore, it has been classified as a Variant of Uncertain Significance.

GeneDx
Classification: Uncertain significance. Last evaluated: 2024-05-05. Review status: criteria provided, single submitter. Criteria: GeneDx Variant Classification Process June 2021. Collection method: clinical testing. Allele origin: germline. Affected: yes.
Comment: Not observed at significant frequency in large population cohorts (gnomAD); In silico analysis indicates that this missense variant does not alter protein structure/function; Has not been previously published as pathogenic or benign to our knowledge

Ambry Genetics
Classification: Uncertain significance for Hereditary cancer-predisposing syndrome. Last evaluated: 2023-10-02. Review status: criteria provided, single submitter. Criteria: Ambry Variant Classification Scheme 2023. Collection method: clinical testing. Allele origin: germline.
Comment: The p.A1699T variant (also known as c.5095G>A), located in coding exon 38 of the POLE gene, results from a G to A substitution at nucleotide position 5095. The alanine at codon 1699 is replaced by threonine, an amino acid with similar properties. This amino acid position is conserved. In addition, this alteration is predicted to be tolerated by in silico analysis. Since supporting evidence is limited at this time, the clinical significance of this alteration remains unclear.